The following is an entry in ClinVar:

NM_001875.5(CPS1):c.2611A>T (p.Thr871Ser)

Gene: CPS1 (carbamoyl-phosphate synthase 1; plus strand). Cytogenetic location: 2q34.
Variant type: single nucleotide variant.
Coding change: c.2611A>T on transcript NM_001875.5 (MANE Select); coding-DNA position 2611, A replaced by T.
Protein change: p.Thr871Ser; replaces threonine 871 with serine.
Molecular consequence: missense variant. On other transcripts: non-coding transcript variant (2).
Genome position (GRCh38, 1-based): chr2:210,616,465, A>T. VCF-style: chr2-210616465-A-T. GRCh37 (hg19) VCF-style: chr2-211481189-A-T.
Other names: c.2611A>T, p.Thr871Ser (NM_001122633.3, NM_001369257.1); c.2644A>T, p.Thr882Ser (NM_001369256.1); short protein forms T871S, T882S.
Identifiers: ClinVar variation 1471174 (VCV001471174.10), dbSNP rs750006303, ClinGen allele CA2086694.

ClinVar aggregate classification (germline): Conflicting classifications of pathogenicity. Review status: criteria provided, conflicting classifications (1 of 4 stars). 3 submissions from 3 submitters: Uncertain significance (2); Likely benign (1). Last evaluated 2024-03-03.

Conditions:
CPS1-related disorder. Also called: CPS1-related condition.
Congenital hyperammonemia, type I. Also called: Carbamoyl phosphate synthetase 1 deficiency; Hyperammonemia due to carbamoyl phosphate synthetase 1 deficiency; CPS 1 deficiency; Carbamyl phosphate synthetase (CPS) deficiency; CPS I DEFICIENCY; Carbamoyl phosphate synthetase I deficiency disease. Identifiers: Orphanet 147, MedGen C4082171, MONDO:0009376, OMIM 237300.

Allele frequency attached by ClinVar (database versions not stated): gnomAD 0.00001; gnomAD exomes 0.00001 and 0.00002; ExAC 0.00003.
gnomAD v4.1: 16 of 1,612,350 alleles (0.00099%); highest among the groups gnomAD compares: South Asian, 0.016%; no homozygotes.

Submissions (3):

Labcorp Genetics (formerly Invitae), Labcorp
Classification: Likely benign for Congenital hyperammonemia, type I. Last evaluated: 2024-03-03. Review status: criteria provided, single submitter. Criteria: Invitae Variant Classification Sherloc (09022015). Collection method: clinical testing. Allele origin: germline.

PreventionGenetics, part of Exact Sciences
Classification: Uncertain significance for CPS1-related condition. Last evaluated: 2023-04-24. Review status: criteria provided, single submitter. Criteria: ACMG Guidelines, 2015. Collection method: clinical testing. Allele origin: germline.
Comment: The CPS1 c.2611A>T variant is predicted to result in the amino acid substitution p.Thr871Ser. To our knowledge, this variant has not been reported in the literature. This variant is reported in 0.020% of alleles in individuals of South Asian descent in gnomAD. A different missense variant affecting the same amino acid (p.Thr871Pro) was reported in the compound heterozygous state in an individual with mile late-onset CPS1 deficiency (Kretz et al. 2012. PubMed ID: 22575620). At this time, the clinical significance of the c.2611A>T (p.Thr871Ser) variant is uncertain due to the absence of conclusive functional and genetic evidence.

Victorian Clinical Genetics Services, Murdoch Childrens Research Institute
Classification: Uncertain significance for Congenital hyperammonemia, type I. Last evaluated: 2021-05-06. Review status: criteria provided, single submitter. Criteria: ACMG Guidelines, 2015. Collection method: clinical testing. Allele origin: germline. Inheritance: Autosomal recessive inheritance. Affected: yes.
Comment: Based on the classification scheme VCGS_Germline_v1.3.4, this variant is classified as VUS-3B. Following criteria are met: 0102 - Loss of function is a known mechanism of disease in this gene and is associated with carbamoylphosphate synthetase I deficiency (MIM#237300). (I) 0106 - This gene is associated with autosomal recessive disease. (I) 0200 - Variant is predicted to result in a missense amino acid change from threonine to serine. (I) 0252 - This variant is homozygous. (I) 0304 - Variant is present in gnomAD <0.01 for a recessive condition (v2: 6 heterozygotes, 0 homozygotes). (SP) 0504 - Same amino acid change has been observed in placental mammals. (SB) 0604 - Variant is not located in an established domain, motif, hotspot or informative constraint region. (I) 0704 - Another missense variant comparable to the one identified in this case has limited previous evidence for pathogenicity. The p.(Thr871Pro) variant has been identified in a compound heterozygous state in an individual with CPS1-deficiency who presented with late onset and mild clinical course (PMID: 22575620). (SP) 0807 - This variant has no previous evidence of pathogenicity. (I) 0905 - No published segregation evidence has been identified for this variant. (I) 1007 - No published functional evidence has been identified for this variant. (I) Legend: (SP) - Supporting pathogenic, (I) - Information, (SB) - Supporting benign

Literature cited by the submitters: PubMed 22575620 (cited by Victorian Clinical Genetics Services, Murdoch Childrens Research Institute).